The following is an entry in ClinVar:

NM_021254.4(CFAP298):c.534+1G>A

Genes: CFAP298 (cilia and flagella associated protein 298; minus strand), CFAP298-TCP10L (CFAP298-TCP10L readthrough; minus strand). Cytogenetic location: 21q22.11.
Variant type: single nucleotide variant.
Coding change: c.534+1G>A on transcript NM_021254.4 (MANE Select); the canonical splice donor site of the intron after coding-DNA position 534, G replaced by A.
Molecular consequence: splice donor variant.
Genome position (GRCh38, 1-based): chr21:32,604,124, C>T on the plus strand (G>A on the coding strand, the complement: CFAP298 is on the minus strand). VCF-style: chr21-32604124-C-T. GRCh37 (hg19) VCF-style: chr21-33976434-C-T.
Other names: c.534+1G>A (NM_001350338.2, NM_001350336.2, NM_001350337.2 and 1 more transcripts); c.237+1G>A (NM_001350334.2).
Identifiers: ClinVar variation 2845170 (VCV002845170.3), dbSNP rs2517193276, ClinGen allele CA410074169.

ClinVar aggregate classification (germline): Likely pathogenic (1 of 4 stars; one submission).

Submission:

Labcorp Genetics (formerly Invitae), Labcorp
Classification: Likely pathogenic. Last evaluated: 2023-03-19. Review status: criteria provided, single submitter. Criteria: Invitae Variant Classification Sherloc (09022015). Collection method: clinical testing. Allele origin: germline.
Comment: This sequence change affects a donor splice site in intron 4 of the CFAP298 gene. It is expected to disrupt RNA splicing. Variants that disrupt the donor or acceptor splice site typically lead to a loss of protein function (PMID: 16199547), and loss-of-function variants in CFAP298 are known to be pathogenic (PMID: 24094744). This variant is not present in population databases (gnomAD no frequency). This variant has not been reported in the literature in individuals affected with CFAP298-related conditions. Algorithms developed to predict the effect of sequence changes on RNA splicing suggest that this variant may disrupt the consensus splice site. In summary, the currently available evidence indicates that the variant is pathogenic, but additional data are needed to prove that conclusively. Therefore, this variant has been classified as Likely Pathogenic.

Literature cited by the submitters: PubMed 16199547; PubMed 24094744.